The following is an entry in ClinVar:

NM_000127.3(EXT1):c.2T>C (p.Met1Thr)

Gene: EXT1 (exostosin glycosyltransferase 1; minus strand). Cytogenetic location: 8q24.11.
Variant type: single nucleotide variant.
Coding change: c.2T>C on transcript NM_000127.3 (MANE Select); coding-DNA position 2, T replaced by C.
Protein change: p.Met1Thr; changes the start codon (methionine 1).
Molecular consequence: missense variant, initiator codon variant.
Genome position (GRCh38, 1-based): chr8:118,111,045, A>G on the plus strand (T>C on the coding strand, the complement: EXT1 is on the minus strand). VCF-style: chr8-118111045-A-G. GRCh37 (hg19) VCF-style: chr8-119123284-A-G.
Other names: short protein forms M1T.
Identifiers: ClinVar variation 3663602 (VCV003663602.2).

ClinVar aggregate classification (germline): Pathogenic (1 of 4 stars; one submission).

Conditions:
Multiple congenital exostosis (EXT). Also called: Hereditary multiple osteochondromas; MULTIPLE CARTILAGINOUS EXOSTOSES; Hereditary multiple exostoses; Hereditary multiple exostosis; Multiple osteochondromas; Multiple exostoses. Identifiers: Orphanet 321, MedGen C0015306, MONDO:0005508, HP:0002762.

Submission:

Labcorp Genetics (formerly Invitae), Labcorp
Classification: Pathogenic for Multiple congenital exostosis. Last evaluated: 2024-08-27. Review status: criteria provided, single submitter. Criteria: Invitae Variant Classification Sherloc (09022015). Collection method: clinical testing. Allele origin: germline.
Comment: This sequence change affects the initiator methionine of the EXT1 mRNA. The next in-frame methionine is located at codon 100. This variant is not present in population databases (gnomAD no frequency). Disruption of the initiator codon has been observed in individual(s) with hereditary multiple osteochondromatosis (PMID: 17301954, 19810120; internal data). For these reasons, this variant has been classified as Pathogenic.

Literature cited by the submitters: PubMed 17301954; PubMed 19810120.